The following is an entry in ClinVar:

NM_005188.4(CBL):c.2038C>T (p.Pro680Ser)

Gene: CBL (Cbl proto-oncogene; plus strand). Cytogenetic location: 11q23.3.
Variant type: single nucleotide variant.
Coding change: c.2038C>T on transcript NM_005188.4 (MANE Select); coding-DNA position 2038, C replaced by T.
Protein change: p.Pro680Ser; replaces proline 680 with serine.
Molecular consequence: missense variant.
Genome position (GRCh38, 1-based): chr11:119,296,919, C>T. VCF-style: chr11-119296919-C-T. GRCh37 (hg19) VCF-style: chr11-119167629-C-T.
Other names: short protein forms P680S.
Identifiers: ClinVar variation 4868262 (VCV004868262.1).
Genomic context (GRCh38, chr11:119,296,919, plus strand): 5'-TACTTCAAAGTTTACTGGTTTGTTACTTCTTTTTCTATTTTTTATTCTTCATCTTCCAGA[C>T]CTCTTCCTGTGCCAAAACTGCCACCTGGGGAGCAATGTGAGGGTGAAGAGGACACAGAGT-3'
Protein context (NP_005179.2, residues 670-690): ANAIYSLAAR[Pro680Ser]LPVPKLPPGE

ClinVar aggregate classification (germline): Uncertain significance (1 of 4 stars; one submission).

Conditions:
Cardiovascular phenotype. Identifiers: MedGen CN230736.

gnomAD v4.1: 1 of 1,500,594 alleles (0.000067%); highest among the groups gnomAD compares: Non-Finnish European, 0.000093%; no homozygotes.

Submission:

Ambry Genetics
Classification: Uncertain significance for Cardiovascular phenotype. Last evaluated: 2026-05-17. Review status: criteria provided, single submitter. Criteria: Ambry Variant Classification Scheme 2023. Collection method: clinical testing. Allele origin: germline.
Comment: The p.P680S variant (also known as c.2038C>T), located in coding exon 13 of the CBL gene, results from a C to T substitution at nucleotide position 2038. The proline at codon 680 is replaced by serine, an amino acid with similar properties. This amino acid position is conserved. In addition, this alteration is predicted to be tolerated by in silico analysis. Based on the available evidence, the clinical significance of this variant remains unclear.